The following is an entry in ClinVar:

NM_000814.6(GABRB3):c.666TGT[1] (p.Val224del)

Gene: GABRB3 (gamma-aminobutyric acid type A receptor subunit beta3; minus strand). Cytogenetic location: 15q12.
Variant type: Microsatellite.
Coding change: c.666TGT[1] on transcript NM_000814.6 (MANE Select); one copy of the 3-base unit TGT starting at c.666; the reference has two copies in a row; one copy, 3 bases deleted; also written c.669_671del.
Protein change: p.Val224del; deletes valine 224.
Molecular consequence: inframe deletion.
Genome position (GRCh38, 1-based): chr15:26,580,330-26,580,332, ACA deleted on the plus strand (TGT on the coding strand, the reverse complement: GABRB3 is on the minus strand); deleting any 3 consecutive bases within chr15:26,580,330-26,580,335 gives the same sequence; the position shown is the placement nearest the transcript's 3' end. VCF-style (leftmost placement, unchanged base first): chr15-26580329-GACA-G. GRCh37 (hg19) VCF-style: chr15-26825476-GACA-G.
Other names: c.411TGT[1], p.Val139del (NM_001191320.2, NM_001278631.2); c.453TGT[1], p.Val153del (NM_001191321.3); c.666TGT[1], p.Val224del (NM_021912.5); c.669_671del (NM_000814.6); short protein forms V139del, V153del, V224del.
Identifiers: ClinVar variation 1053404 (VCV001053404.9), dbSNP rs2140730286, ClinGen allele CA2580613783.

ClinVar aggregate classification (germline): Uncertain significance. Review status: criteria provided, multiple submitters, no conflicts (2 of 4 stars). 2 submissions from 2 submitters: Uncertain significance (2). Last evaluated 2023-04-24.

Conditions:
Epilepsy, childhood absence, susceptibility to, 1. Also called: Epilepsy, childhood absence 1. Identifiers: Orphanet 64280, MedGen C1838604, MONDO:0020759, OMIM 600131.
Epilepsy, childhood absence, susceptibility to, 5. Identifiers: Orphanet 64280, MedGen C2677087, MONDO:0012843, OMIM 612269.
Developmental and epileptic encephalopathy, 43 (DEE43). Also called: Epileptic encephalopathy, early infantile, 43. Identifiers: MedGen C4310712, MONDO:0014921, OMIM 617113.

Submissions (2):

Labcorp Genetics (formerly Invitae), Labcorp
Classification: Uncertain significance for Epilepsy, childhood absence, susceptibility to, 5; Epilepsy, childhood absence, susceptibility to, 1. Last evaluated: 2023-04-24. Review status: criteria provided, single submitter. Criteria: Invitae Variant Classification Sherloc (09022015). Collection method: clinical testing. Allele origin: germline.
Comment: This variant, c.669_671del, results in the deletion of 1 amino acid(s) of the GABRB3 protein (p.Val224del), but otherwise preserves the integrity of the reading frame. This variant is not present in population databases (gnomAD no frequency). This variant has been observed in individual(s) with clinical features of GABRB3-related conditions (Invitae). Experimental studies and prediction algorithms are not available or were not evaluated, and the functional significance of this variant is currently unknown. In summary, the available evidence is currently insufficient to determine the role of this variant in disease. Therefore, it has been classified as a Variant of Uncertain Significance.

New York Genome Center
Classification: Uncertain significance for Developmental and epileptic encephalopathy, 43. Last evaluated: 2021-06-04. Review status: criteria provided, single submitter. Criteria: NYGC Assertion Criteria 2020. Collection method: clinical testing. Allele origin: germline. Observed: 1 heterozygote. Study: CSER-NYCKidSeq.
Comment: The heterozygous in-frame deletion c.669_671del, p.Val224del in the GABRB3 gene has not been reported in individuals with developmental and epileptic encephalopathy-43. The variant is absent in the gnomAD v3.1.1 database, indicating a rare allele and in silico tools predict conflicting evidence of pathogenicity. Based on the available evidence, the variant c.669_671del, p.Val224del in the GABRB3 gene is classified as a variant of uncertain significance.